The following is an entry in ClinVar:

ClinVar aggregate classification (germline): Pathogenic (1 of 4 stars; one submission).

Submission:

Labcorp Genetics (formerly Invitae), Labcorp
Classification: Pathogenic. Last evaluated: 2023-07-07. Review status: criteria provided, single submitter. Criteria: Invitae Variant Classification Sherloc (09022015). Collection method: clinical testing. Allele origin: germline.
Comment: This sequence change creates a premature translational stop signal (p.Asp2237Argfs*41) in the USH2A gene. It is expected to result in an absent or disrupted protein product. Loss-of-function variants in USH2A are known to be pathogenic (PMID: 10729113, 10909849, 20507924, 25649381). For these reasons, this variant has been classified as Pathogenic. This variant has not been reported in the literature in individuals affected with USH2A-related conditions. This variant is not present in population databases (gnomAD no frequency).

Literature cited by the submitters: PubMed 10729113; PubMed 10909849; PubMed 20507924; PubMed 25649381.

NM_206933.4(USH2A):c.6705_6708del (p.Asp2237fs)

Gene: USH2A (usherin; minus strand). Cytogenetic location: 1q41.
Variant type: Deletion.
Coding change: c.6705_6708del on transcript NM_206933.4 (MANE Select); coding-DNA positions 6705 to 6708, 4 bases deleted (AACT; older notation c.6705_6708delAACT).
Protein change: p.Asp2237fs; shifts the reading frame from aspartic acid 2237.
Molecular consequence: frameshift variant.
Genome position (GRCh38, 1-based): chr1:215,993,117-215,993,120, AGTT deleted on the plus strand (AACT on the coding strand, the reverse complement: USH2A is on the minus strand); deleting any 4 consecutive bases within chr1:215,993,117-215,993,122 gives the same sequence; the c. name uses the placement nearest the transcript's 3' end. VCF-style (leftmost placement, unchanged base first): chr1-215993116-CAGTT-C. GRCh37 (hg19) VCF-style: chr1-216166458-CAGTT-C.
Other names: short protein forms D2237fs.
Identifiers: ClinVar variation 2736460 (VCV002736460.3), dbSNP rs2527606425, ClinGen allele CA2697554915.